The following is an entry in ClinVar:

NM_012330.4(KAT6B):c.5863C>G (p.Pro1955Ala)

Gene: KAT6B (lysine acetyltransferase 6B; plus strand). Cytogenetic location: 10q22.2.
Variant type: single nucleotide variant.
Coding change: c.5863C>G on transcript NM_012330.4 (MANE Select); coding-DNA position 5863, C replaced by G.
Protein change: p.Pro1955Ala; replaces proline 1955 with alanine.
Molecular consequence: missense variant.
Genome position (GRCh38, 1-based): chr10:75,030,687, C>G. VCF-style: chr10-75030687-C-G. GRCh37 (hg19) VCF-style: chr10-76790445-C-G.
Other names: c.5314C>G, p.Pro1772Ala (NM_001256468.2, NM_001370138.1); c.4987C>G, p.Pro1663Ala (NM_001256469.2, NM_001370139.1, NM_001370140.1 and 2 more transcripts); c.4825C>G, p.Pro1609Ala (NM_001370132.1); c.4174C>G, p.Pro1392Ala (NM_001370133.1); c.3778C>G, p.Pro1260Ala (NM_001370134.1); c.3520C>G, p.Pro1174Ala (NM_001370135.1); c.5863C>G, p.Pro1955Ala (NM_001370136.1, NM_001370137.1); c.4798C>G, p.Pro1600Ala (NM_001370143.1, NM_001370144.1); short protein forms P1260A, P1663A, P1772A, P1174A, P1392A, P1600A, P1609A, P1955A.
Identifiers: ClinVar variation 1493921 (VCV001493921.9), dbSNP rs762788479, ClinGen allele CA5565267.

ClinVar aggregate classification (germline): Uncertain significance. Review status: criteria provided, multiple submitters, no conflicts (2 of 4 stars). 2 submissions from 2 submitters: Uncertain significance (2). Last evaluated 2024-06-17.

Conditions:
Blepharophimosis - intellectual disability syndrome, SBBYS type (SBBYSS). Also called: Mental retardation unusual facies hypothyroidism; Say-Barber-Biesecker-Young-Simpson variant of Ohdo Syndrome; Say-Barber-Biesecker Variant of Ohdo Syndrome; Say-Barber-Biesecker variant of Ohdo syndrome (SBBYSS); Young Simpson syndrome; Ohdo syndrome, SBBYS variant. Identifiers: Orphanet 3047, MedGen C1863557, MONDO:0011365, OMIM 603736.
Genitopatellar syndrome (GTPTS). Also called: Genitopatellar syndrome (GPS); ABSENT PATELLAE, SCROTAL HYPOPLASIA, RENAL ANOMALIES, FACIAL DYSMORPHISM, AND MENTAL RETARDATION. Identifiers: Orphanet 85201, MedGen C1853566, MONDO:0011640, OMIM 606170.

Allele frequency attached by ClinVar (database versions not stated): gnomAD exomes 0.00001 and 0.00002; ExAC 0.00002; TOPMed 0.00002; gnomAD 0.00003.
gnomAD v4.1: 21 of 1,614,114 alleles (0.0013%); highest among the groups gnomAD compares: Non-Finnish European, 0.0016%; no homozygotes.

Submissions (2):

Labcorp Genetics (formerly Invitae), Labcorp
Classification: Uncertain significance for Genitopatellar syndrome. Last evaluated: 2024-06-17. Review status: criteria provided, single submitter. Criteria: Invitae Variant Classification Sherloc (09022015). Collection method: clinical testing. Allele origin: germline.
Comment: This sequence change replaces proline, which is neutral and non-polar, with alanine, which is neutral and non-polar, at codon 1955 of the KAT6B protein (p.Pro1955Ala). This variant is present in population databases (rs762788479, gnomAD 0.004%). This variant has not been reported in the literature in individuals affected with KAT6B-related conditions. ClinVar contains an entry for this variant (Variation ID: 1493921). An algorithm developed to predict the effect of missense changes on protein structure and function (PolyPhen-2) suggests that this variant is likely to be disruptive. In summary, the available evidence is currently insufficient to determine the role of this variant in disease. Therefore, it has been classified as a Variant of Uncertain Significance.

Fulgent Genetics
Classification: Uncertain significance for Blepharophimosis - intellectual disability syndrome, SBBYS type; Genitopatellar syndrome. Last evaluated: 2024-01-27. Review status: criteria provided, single submitter. Criteria: ACMG Guidelines, 2015. Collection method: clinical testing. Allele origin: germline.